The following is an entry in ClinVar:

NM_001267550.2(TTN):c.7057+2dup

Genes: TTN (titin; minus strand), LOC126806433 (BRD4-independent group 4 enhancer GRCh37_chr2:179638309-179639508; plus strand). Cytogenetic location: 2q31.2.
Variant type: Duplication.
Coding change: c.7057+2dup on transcript NM_001267550.2 (MANE Select); the canonical splice donor site of the intron after coding-DNA position 7057, one base duplicated (T; older notation c.7057+2dupT).
Molecular consequence: splice donor variant.
Genome position (GRCh38, 1-based): chr2:178,774,205, A duplicated on the plus strand (T on the coding strand, the reverse complement: TTN is on the minus strand). VCF-style (leftmost placement, unchanged base first): chr2-178774204-T-TA. GRCh37 (hg19) VCF-style: chr2-179638931-T-TA.
Other names: c.6919+2dup (NM_003319.4, NM_133437.4, NM_133432.3); c.7057+2dup (NM_133378.4, NM_001256850.1, NM_133379.5); c.6919+2dupT (NM_003319.4).
Identifiers: ClinVar variation 192072 (VCV000192072.10), dbSNP rs765019023, ClinGen allele CA238248.

ClinVar aggregate classification (germline): Conflicting classifications of pathogenicity. Review status: criteria provided, conflicting classifications (1 of 4 stars). 4 submissions from 4 submitters: Likely pathogenic (1); Uncertain significance (3). Last evaluated 2024-05-07.

Conditions:
TTN-related disorder. Also called: TTN-related condition; TTN-related disease; TTN-related disorders.
Cardiovascular phenotype. Identifiers: MedGen CN230736.

Allele frequency attached by ClinVar (database versions not stated): TOPMed 0.00001; ExAC 0.00002; gnomAD 0.00002; gnomAD exomes 0.00002 and 0.00003.

Submissions (4):

Blueprint Genetics
Classification: Likely pathogenic for TTN-related disorders. Last evaluated: 2024-05-07. Review status: criteria provided, single submitter. Criteria: ACMG Guidelines, 2015. Collection method: clinical testing. Allele origin: germline. Affected: yes. Observed: 5 variant alleles.

Ambry Genetics
Classification: Uncertain significance for Cardiovascular phenotype. Last evaluated: 2023-02-27. Review status: criteria provided, single submitter. Criteria: Ambry Variant Classification Scheme 2023. Collection method: clinical testing. Allele origin: germline.
Comment: The c.6919+2dupT intronic variant is located 2 nucleotides after coding exon 28 of the TTN gene. This variant results from a duplication of one nucleotide at nucleotide position c.6919+2. This alteration (referred to as NM_133378.4:c.7057+2dup) has been reported as a secondary cardiac variant in an exome cohort; however, clinical details are limited (Ng D et al. Circ Cardiovasc Genet, 2013 Aug;6:337-46). This nucleotide position is highly conserved in available vertebrate species. In silico splice site analysis predicts that this alteration will weaken the native splice donor site and may result in the creation or strengthening of a novel splice donor site. Since supporting evidence is limited at this time, the clinical significance of this alteration remains unclear.

Eurofins Ntd Llc (ga)
Classification: Uncertain significance. Last evaluated: 2018-01-30. Review status: criteria provided, single submitter. Criteria: EGL Classification Definitions 2015. Collection method: clinical testing. Allele origin: germline. Observed: 1 variant allele, 1 heterozygote.

Biesecker Lab/Clinical Genomics Section, National Institutes of Health
Classification: Uncertain significance. Last evaluated: 2013-06-24. Review status: criteria provided, single submitter. Criteria: Ng et al. (Circ Cardiovasc Genet. 2013). Collection method: research. Allele origin: unknown. Observed: 1 variant allele. Study: ClinSeq.
Comment: The study set was not selected for affection status in relation to any cancer. Pathogenicity categories were based on literature curation. See Pubmed ID:23861362 for details.

Medical sequencing

Literature cited by the submitters: PubMed 23861362 (cited by Ambry Genetics); PubMed 33534821 (cited by Ambry Genetics).